The following is an entry in ClinVar:

ClinVar aggregate classification (germline): Uncertain significance (1 of 4 stars; one submission).

Submission:

GeneDx
Classification: Uncertain significance. Last evaluated: 2025-02-25. Review status: criteria provided, single submitter. Criteria: GeneDx Variant Classification Process June 2021. Collection method: clinical testing. Allele origin: germline. Affected: yes.
Comment: Not observed at significant frequency in large population cohorts (gnomAD); In silico analysis supports that this missense variant has a deleterious effect on protein structure/function; Has not been previously published as pathogenic or benign to our knowledge

NM_001385012.1(NBEA):c.6815C>T (p.Ser2272Leu)

Gene: NBEA (neurobeachin; plus strand). Cytogenetic location: 13q13.3.
Variant type: single nucleotide variant.
Coding change: c.6815C>T on transcript NM_001385012.1 (MANE Select); coding-DNA position 6815, C replaced by T.
Protein change: p.Ser2272Leu; replaces serine 2272 with leucine.
Molecular consequence: missense variant.
Genome position (GRCh38, 1-based): chr13:35,554,995, C>T. VCF-style: chr13-35554995-C-T. GRCh37 (hg19) VCF-style: chr13-36129132-C-T.
Other names: c.194C>T, p.Ser65Leu (NM_001204197.3); c.6806C>T, p.Ser2269Leu (NM_001379245.1); c.6815C>T, p.Ser2272Leu (NM_015678.5); short protein forms S2269L, S2272L, S65L.
Identifiers: ClinVar variation 4076895 (VCV004076895.1).